The following is an entry in ClinVar:

NM_001330723.2(SNX27):c.238C>G (p.His80Asp)

Gene: SNX27 (sorting nexin 27; plus strand). Cytogenetic location: 1q21.3.
Variant type: single nucleotide variant.
Coding change: c.238C>G on transcript NM_001330723.2 (MANE Select); coding-DNA position 238, C replaced by G.
Protein change: p.His80Asp; replaces histidine 80 with aspartic acid.
Molecular consequence: missense variant.
Genome position (GRCh38, 1-based): chr1:151,612,439, C>G. VCF-style: chr1-151612439-C-G. GRCh37 (hg19) VCF-style: chr1-151584915-C-G.
Other names: c.238C>G, p.His80Asp (NM_030918.6); short protein forms H80D.
Identifiers: ClinVar variation 654736 (VCV000654736.9), dbSNP rs1571741601, ClinGen allele CA341974469.
Genomic context (GRCh38, chr1:151,612,439, plus strand): 5'-CAAGTGAGCGAGGGCGGGCAACTGCGGAGCATCAACGGGGAGCTGTACGCGCCGCTGCAG[C>G]ATGTGAGCGCCGTGCTGCCCGGGGGGGCGGCCGATCGGGCCGGGGTGCGCAAGGGGGACC-3'
Protein context (NP_001317652.1, residues 70-90): INGELYAPLQ[His80Asp]VSAVLPGGAA

ClinVar aggregate classification (germline): Uncertain significance (1 of 4 stars; one submission).

Conditions:
Severe myoclonic epilepsy in infancy (DRVT). Also called: SEVERE MYOCLONIC EPILEPSY OF INFANCY; Epileptic encephalopathy, early infantile, 6 (Dravet syndrome); Dravet syndrome; DEVELOPMENTAL AND EPILEPTIC ENCEPHALOPATHY 6A; Severe Myoclonic Epilepsy in Infancy (SMEI). Identifiers: Orphanet 33069, MedGen C0751122, MONDO:0100135, OMIM 607208.

Submission:

Labcorp Genetics (formerly Invitae), Labcorp
Classification: Uncertain significance for Severe myoclonic epilepsy in infancy. Last evaluated: 2024-10-15. Review status: criteria provided, single submitter. Criteria: Invitae Variant Classification Sherloc (09022015). Collection method: clinical testing. Allele origin: germline.
Comment: This sequence change replaces histidine, which is basic and polar, with aspartic acid, which is acidic and polar, at codon 80 of the SNX27 protein (p.His80Asp). This variant is not present in population databases (gnomAD no frequency). This variant has not been reported in the literature in individuals affected with SNX27-related conditions. ClinVar contains an entry for this variant (Variation ID: 654736). An algorithm developed to predict the effect of missense changes on protein structure and function (PolyPhen-2) suggests that this variant is likely to be tolerated. In summary, the available evidence is currently insufficient to determine the role of this variant in disease. Therefore, it has been classified as a Variant of Uncertain Significance.